The following is an entry in ClinVar:

ClinVar aggregate classification (germline): Likely benign. Review status: criteria provided, multiple submitters, no conflicts (2 of 4 stars). 2 submissions from 2 submitters: Likely benign (2). Last evaluated 2025-07-01.

Allele frequency attached by ClinVar (database versions not stated): ExAC 0.00001; gnomAD 0.00001; gnomAD exomes 0.00002; TOPMed 0.00002.
gnomAD v4.1: 34 of 1,613,840 alleles (0.0021%); highest among the groups gnomAD compares: East Asian, 0.049%; no homozygotes.

Submissions (2):

CeGaT Center for Human Genetics Tuebingen
Classification: Likely benign. Last evaluated: 2025-07-01. Review status: criteria provided, single submitter. Criteria: CeGaT Center For Human Genetics Tuebingen Variant Classification Criteria Version 2. Collection method: clinical testing. Allele origin: germline. Affected: yes. Observed: 1 variant allele.
Comment: ABCC6: BP4, BP7

Labcorp Genetics (formerly Invitae), Labcorp
Classification: Likely benign. Last evaluated: 2025-04-26. Review status: criteria provided, single submitter. Criteria: Invitae Variant Classification Sherloc (09022015). Collection method: clinical testing. Allele origin: germline.

NM_001171.6(ABCC6):c.3603C>T (p.Leu1201=)

Gene: ABCC6 (ATP binding cassette subfamily C member 6; minus strand). Cytogenetic location: 16p13.11.
Variant type: single nucleotide variant.
Coding change: c.3603C>T on transcript NM_001171.6 (MANE Select); coding-DNA position 3603, C replaced by T.
Protein change: p.Leu1201=; no amino-acid change (leucine 1201 retained).
Molecular consequence: synonymous variant. On other transcripts: non-coding transcript variant (1).
Genome position (GRCh38, 1-based): chr16:16,161,468, G>A on the plus strand (C>T on the coding strand, the complement: ABCC6 is on the minus strand). VCF-style: chr16-16161468-G-A. GRCh37 (hg19) VCF-style: chr16-16255325-G-A.
Other names: c.3261C>T, p.Leu1087= (NM_001351800.1).
Identifiers: ClinVar variation 1940486 (VCV001940486.13), dbSNP rs756077096, ClinGen allele CA7925519.
Genomic context (GRCh38, chr16:16,161,468, plus strand): 5'-TCAAGCCCAGTTTGGGGATGTGGGGAGTACCTGGAGGGCAGCAGAGACAGAGAAGCCCAC[G>A]AGGCCAGCACTGAGGTGGGCTTTGCTCAGCACAGCACACGTGGCAGCTGCAAACACCAGG-3'
Protein context (NP_001162.5, residues 1191-1211): VLSKAHLSAG[Leu1201=]VGFSVSAALQ